The following is an entry in ClinVar:

NM_152564.5(VPS13B):c.6563A>G (p.Asn2188Ser)

Gene: VPS13B (vacuolar protein sorting 13 homolog B; plus strand). Cytogenetic location: 8q22.2.
Variant type: single nucleotide variant.
Coding change: c.6563A>G on transcript NM_152564.5 (MANE Select); coding-DNA position 6563, A replaced by G.
Protein change: p.Asn2188Ser; replaces asparagine 2188 with serine.
Molecular consequence: missense variant.
Genome position (GRCh38, 1-based): chr8:99,717,279, A>G. VCF-style: chr8-99717279-A-G. GRCh37 (hg19) VCF-style: chr8-100729507-A-G.
Other names: c.6563A>G (NM_152564.4); c.6638A>G, p.Asn2213Ser (NM_017890.5); short protein forms N2213S, N2188S.
Identifiers: ClinVar variation 1418826 (VCV001418826.6), dbSNP rs1399212150, ClinGen allele CA371867304.

ClinVar aggregate classification (germline): Uncertain significance. Review status: criteria provided, single submitter (1 of 4 stars). 2 submissions from 2 submitters: Uncertain significance (1). 1 of the submissions does not count toward it. Last evaluated 2021-12-03.

Conditions:
Cohen syndrome (COH1). Also called: PEPPER SYNDROME; Cutis verticis gyrata, retinitis pigmentosa, and sensorineural deafness. Identifiers: Orphanet 193, MedGen C0265223, MONDO:0008999, OMIM 216550.
VPS13B-related disorder. Also called: VPS13B-related condition.

Allele frequency attached by ClinVar (database versions not stated): gnomAD exomes below 0.00001.
gnomAD v4.1: 2 of 1,614,110 alleles (0.00012%); highest among the groups gnomAD compares: Admixed American, 0.0017%; no homozygotes.

Submissions (2):

Labcorp Genetics (formerly Invitae), Labcorp
Classification: Uncertain significance for Cohen syndrome. Last evaluated: 2021-12-03. Review status: criteria provided, single submitter. Criteria: Invitae Variant Classification Sherloc (09022015). Collection method: clinical testing. Allele origin: germline.
Comment: This sequence change replaces asparagine with serine at codon 2213 of the VPS13B protein (p.Asn2213Ser). The asparagine residue is weakly conserved and there is a small physicochemical difference between asparagine and serine. This variant is present in population databases (no rsID available, gnomAD 0.003%). This variant has not been reported in the literature in individuals affected with VPS13B-related conditions. Algorithms developed to predict the effect of missense changes on protein structure and function output the following: SIFT: "Not Available"; PolyPhen-2: "Benign"; Align-GVGD: "Not Available". The serine amino acid residue is found in multiple mammalian species, which suggests that this missense change does not adversely affect protein function. Algorithms developed to predict the effect of sequence changes on RNA splicing suggest that this variant may create or strengthen a splice site. In summary, the available evidence is currently insufficient to determine the role of this variant in disease. Therefore, it has been classified as a Variant of Uncertain Significance.

PreventionGenetics, part of Exact Sciences
Classification: Uncertain significance for VPS13B-related condition. Last evaluated: 2024-08-30. Review status: no assertion criteria provided. Collection method: clinical testing. Allele origin: germline. Not counted in ClinVar's aggregate classification.
Comment: The VPS13B c.6563A>G variant is predicted to result in the amino acid substitution p.Asn2188Ser. To our knowledge, this variant has not been reported in the literature. This variant is reported in 0.0029% of alleles in individuals of Latino descent in gnomAD. At this time, the clinical significance of this variant is uncertain due to the absence of conclusive functional and genetic evidence.